The following is an entry in ClinVar:

NM_006312.6(NCOR2):c.5928G>A (p.Ser1976=)

Gene: NCOR2 (nuclear receptor corepressor 2; minus strand). Cytogenetic location: 12q24.31.
Variant type: single nucleotide variant.
Coding change: c.5928G>A on transcript NM_006312.6 (MANE Select); coding-DNA position 5928, G replaced by A.
Protein change: p.Ser1976=; no amino-acid change (serine 1976 retained).
Molecular consequence: synonymous variant.
Genome position (GRCh38, 1-based): chr12:124,336,940, C>T on the plus strand (G>A on the coding strand, the complement: NCOR2 is on the minus strand). VCF-style: chr12-124336940-C-T. GRCh37 (hg19) VCF-style: chr12-124821486-C-T.
Other names: c.5898G>A, p.Ser1966= (NM_001077261.4, NM_001206654.2).
Identifiers: ClinVar variation 3049982 (VCV003049982.2), dbSNP rs753634167, ClinGen allele CA6867714.

ClinVar aggregate classification (germline): Likely benign (0 of 4 stars; one submission).

Conditions:
NCOR2-related disorder. Also called: NCOR2-related condition.

Allele frequency attached by ClinVar (database versions not stated): gnomAD 0.00001; ExAC 0.00002.
gnomAD v4.1: 19 of 1,550,626 alleles (0.0012%); highest among the groups gnomAD compares: East Asian, 0.0068%; no homozygotes.

Submission:

PreventionGenetics, part of Exact Sciences
Classification: Likely benign for NCOR2-related condition. Last evaluated: 2019-07-15. Review status: no assertion criteria provided. Collection method: clinical testing. Allele origin: germline.
Comment: This variant is classified as likely benign based on ACMG/AMP sequence variant interpretation guidelines (Richards et al. 2015 PMID: 25741868, with internal and published modifications).